The following is an entry in ClinVar:

NM_018975.4(TERF2IP):c.292G>A (p.Ala98Thr)

Gene: TERF2IP (TERF2 interacting protein; plus strand). Cytogenetic location: 16q23.1.
Variant type: single nucleotide variant.
Coding change: c.292G>A on transcript NM_018975.4 (MANE Select); coding-DNA position 292, G replaced by A.
Protein change: p.Ala98Thr; replaces alanine 98 with threonine.
Molecular consequence: missense variant. On other transcripts: non-coding transcript variant (1).
Genome position (GRCh38, 1-based): chr16:75,648,174, G>A. VCF-style: chr16-75648174-G-A. GRCh37 (hg19) VCF-style: chr16-75682072-G-A.
Other names: short protein forms A98T.
Identifiers: ClinVar variation 3455131 (VCV003455131.1).

ClinVar aggregate classification (germline): Uncertain significance (1 of 4 stars; one submission).

Submission:

Ambry Genetics
Classification: Uncertain significance. Last evaluated: 2024-10-29. Review status: criteria provided, single submitter. Criteria: Ambry Variant Classification Scheme 2023. Collection method: clinical testing. Allele origin: germline.
Comment: The p.A98T variant (also known as c.292G>A), located in coding exon 1 of the TERF2IP gene, results from a G to A substitution at nucleotide position 292. The alanine at codon 98 is replaced by threonine, an amino acid with similar properties. This amino acid position is conserved. In addition, this alteration is predicted to be tolerated by in silico analysis. Based on the available evidence, the clinical significance of this variant remains unclear.